The following is an entry in ClinVar:

NM_000455.5(STK11):c.523A>G (p.Lys175Glu)

Gene: STK11 (serine/threonine kinase 11; plus strand). Cytogenetic location: 19p13.3.
Variant type: single nucleotide variant.
Coding change: c.523A>G on transcript NM_000455.5 (MANE Select); coding-DNA position 523, A replaced by G.
Protein change: p.Lys175Glu; replaces lysine 175 with glutamic acid.
Molecular consequence: missense variant.
Genome position (GRCh38, 1-based): chr19:1,220,431, A>G. VCF-style: chr19-1220431-A-G. GRCh37 (hg19) VCF-style: chr19-1220430-A-G.
Other names: short protein forms K175E.
Identifiers: ClinVar variation 527841 (VCV000527841.11), dbSNP rs1450703616, ClinGen allele CA402948986.

ClinVar aggregate classification (germline): Uncertain significance. Review status: criteria provided, multiple submitters, no conflicts (2 of 4 stars). 2 submissions from 2 submitters: Uncertain significance (2). Last evaluated 2024-02-15.

Conditions:
Hereditary cancer-predisposing syndrome. Also called: Neoplastic Syndromes, Hereditary; Tumor predisposition; Hereditary neoplastic syndrome; Hereditary Cancer Syndrome. Identifiers: Orphanet 140162, MedGen C0027672, MeSH D009386, MONDO:0015356.
Peutz-Jeghers syndrome (PJS). Also called: POLYPOSIS, HAMARTOMATOUS INTESTINAL; POLYPS-AND-SPOTS SYNDROME; Peutz-Jeghers polyposis; Periorificial lentiginosis syndrome. Identifiers: Orphanet 2869, MedGen C0031269, MeSH D010580, MONDO:0008280, OMIM 175200.

Allele frequency attached by ClinVar (database versions not stated): gnomAD exomes below 0.00001; TOPMed 0.00001.
gnomAD v4.1: 2 of 1,606,844 alleles (0.00012%); highest among the groups gnomAD compares: Non-Finnish European, 0.00017%; no homozygotes.

Submissions (2):

Ambry Genetics
Classification: Uncertain significance for Hereditary cancer-predisposing syndrome. Last evaluated: 2024-02-15. Review status: criteria provided, single submitter. Criteria: Ambry Variant Classification Scheme 2023. Collection method: clinical testing. Allele origin: germline.
Comment: The p.K175E variant (also known as c.523A>G), located in coding exon 4 of the STK11 gene, results from an A to G substitution at nucleotide position 523. The lysine at codon 175 is replaced by glutamic acid, an amino acid with similar properties. This amino acid position is highly conserved in available vertebrate species. In addition, this alteration is predicted to be deleterious by in silico analysis. Based on the available evidence, the clinical significance of this alteration remains unclear.

Labcorp Genetics (formerly Invitae), Labcorp
Classification: Uncertain significance for Peutz-Jeghers syndrome. Last evaluated: 2021-02-17. Review status: criteria provided, single submitter. Criteria: Invitae Variant Classification Sherloc (09022015). Collection method: clinical testing. Allele origin: germline.
Comment: In summary, the available evidence is currently insufficient to determine the role of this variant in disease. Therefore, it has been classified as a Variant of Uncertain Significance. Algorithms developed to predict the effect of missense changes on protein structure and function (SIFT, PolyPhen-2, Align-GVGD) all suggest that this variant is likely to be disruptive, but these predictions have not been confirmed by published functional studies and their clinical significance is uncertain. This variant has not been reported in the literature in individuals with STK11-related disease. This variant is not present in population databases (ExAC no frequency). This sequence change replaces lysine with glutamic acid at codon 175 of the STK11 protein (p.Lys175Glu). The lysine residue is highly conserved and there is a small physicochemical difference between lysine and glutamic acid.